The following is an entry in ClinVar:

NM_001134363.3(RBM20):c.3638C>A (p.Pro1213Gln)

Gene: RBM20 (RNA binding motif protein 20; plus strand). Cytogenetic location: 10q25.2.
Variant type: single nucleotide variant.
Coding change: c.3638C>A on transcript NM_001134363.3 (MANE Select); coding-DNA position 3638, C replaced by A.
Protein change: p.Pro1213Gln; replaces proline 1213 with glutamine.
Molecular consequence: missense variant.
Genome position (GRCh38, 1-based): chr10:110,835,932, C>A. VCF-style: chr10-110835932-C-A. GRCh37 (hg19) VCF-style: chr10-112595690-C-A.
Other names: short protein forms P1213Q.
Identifiers: ClinVar variation 4802667 (VCV004802667.1).

ClinVar aggregate classification (germline): Uncertain significance (1 of 4 stars; one submission).

Conditions:
Dilated cardiomyopathy 1DD (CMD1DD). Identifiers: Orphanet 154, MedGen C2750995, MONDO:0013168, OMIM 613172.

Submission:

Labcorp Genetics (formerly Invitae), Labcorp
Classification: Uncertain significance for Dilated cardiomyopathy 1DD. Last evaluated: 2025-07-08. Review status: criteria provided, single submitter. Criteria: Invitae Variant Classification Sherloc (09022015). Collection method: clinical testing. Allele origin: germline.
Comment: This sequence change replaces proline, which is neutral and non-polar, with glutamine, which is neutral and polar, at codon 1213 of the RBM20 protein (p.Pro1213Gln). This variant is not present in population databases (gnomAD no frequency). This variant has not been reported in the literature in individuals affected with RBM20-related conditions. Invitae Evidence Modeling of protein sequence and biophysical properties (such as structural, functional, and spatial information, amino acid conservation, physicochemical variation, residue mobility, and thermodynamic stability) indicates that this missense variant is not expected to disrupt RBM20 protein function with a negative predictive value of 95%. In summary, the available evidence is currently insufficient to determine the role of this variant in disease. Therefore, it has been classified as a Variant of Uncertain Significance.